The following is an entry in ClinVar:

NM_001036.6(RYR3):c.2753A>G (p.Tyr918Cys)

Gene: RYR3 (ryanodine receptor 3; plus strand). Cytogenetic location: 15q14.
Variant type: single nucleotide variant.
Coding change: c.2753A>G on transcript NM_001036.6 (MANE Select); coding-DNA position 2753, A replaced by G.
Protein change: p.Tyr918Cys; replaces tyrosine 918 with cysteine.
Molecular consequence: missense variant.
Genome position (GRCh38, 1-based): chr15:33,630,013, A>G. VCF-style: chr15-33630013-A-G. GRCh37 (hg19) VCF-style: chr15-33922214-A-G.
Other names: c.2753A>G, p.Tyr918Cys (NM_001243996.4); short protein forms Y918C.
Identifiers: ClinVar variation 1000053 (VCV001000053.8), dbSNP rs1372256555, ClinGen allele CA391570269.

ClinVar aggregate classification (germline): Uncertain significance (1 of 4 stars; one submission).

Conditions:
Epileptic encephalopathy. Identifiers: MedGen C0543888, HP:0200134.

Allele frequency attached by ClinVar (database versions not stated): gnomAD exomes below 0.00001; TOPMed below 0.00001; gnomAD 0.00001.
gnomAD v4.1: 5 of 1,603,450 alleles (0.00031%); highest among the groups gnomAD compares: Non-Finnish European, 0.00034%; no homozygotes.

Submission:

Labcorp Genetics (formerly Invitae), Labcorp
Classification: Uncertain significance for Epileptic encephalopathy. Last evaluated: 2022-01-15. Review status: criteria provided, single submitter. Criteria: Invitae Variant Classification Sherloc (09022015). Collection method: clinical testing. Allele origin: germline.
Comment: In summary, the available evidence is currently insufficient to determine the role of this variant in disease. Therefore, it has been classified as a Variant of Uncertain Significance. Algorithms developed to predict the effect of sequence changes on RNA splicing suggest that this variant may create or strengthen a splice site. Algorithms developed to predict the effect of missense changes on protein structure and function (SIFT, PolyPhen-2, Align-GVGD) all suggest that this variant is likely to be disruptive. ClinVar contains an entry for this variant (Variation ID: 1000053). This variant has not been reported in the literature in individuals affected with RYR3-related conditions. The frequency data for this variant in the population databases is considered unreliable, as metrics indicate poor data quality at this position in the gnomAD database. This sequence change replaces tyrosine, which is neutral and polar, with cysteine, which is neutral and slightly polar, at codon 918 of the RYR3 protein (p.Tyr918Cys).